The following is an entry in ClinVar:

ClinVar aggregate classification (germline): Uncertain significance (1 of 4 stars; one submission).

Conditions:
X-linked Emery-Dreifuss muscular dystrophy. Also called: Muscular dystrophy, tardive Emery-Dreifuss type, with contractures. Identifiers: Orphanet 261, Orphanet 98863, MedGen C0751337, MONDO:0010680.

Submission:

Labcorp Genetics (formerly Invitae), Labcorp
Classification: Uncertain significance for X-linked Emery-Dreifuss muscular dystrophy. Last evaluated: 2026-01-01. Review status: criteria provided, single submitter. Criteria: Invitae Variant Classification Sherloc (09022015). Collection method: clinical testing. Allele origin: germline.
Comment: This sequence change replaces proline, which is neutral and non-polar, with leucine, which is neutral and non-polar, at codon 25 of the EMD protein (p.Pro25Leu). This variant is not present in population databases (gnomAD no frequency). This variant has not been reported in the literature in individuals affected with EMD-related conditions. ClinVar contains an entry for this variant (Variation ID: 1027338). Invitae Evidence Modeling of protein sequence and biophysical properties (such as structural, functional, and spatial information, amino acid conservation, physicochemical variation, residue mobility, and thermodynamic stability) indicates that this missense variant is expected to disrupt EMD protein function with a positive predictive value of 80%. In summary, the available evidence is currently insufficient to determine the role of this variant in disease. Therefore, it has been classified as a Variant of Uncertain Significance.

NM_000117.3(EMD):c.74C>T (p.Pro25Leu)

Gene: EMD (emerin; plus strand). Cytogenetic location: Xq28.
Variant type: single nucleotide variant.
Coding change: c.74C>T on transcript NM_000117.3 (MANE Select); coding-DNA position 74, C replaced by T.
Protein change: p.Pro25Leu; replaces proline 25 with leucine.
Molecular consequence: missense variant.
Genome position (GRCh38, 1-based): chrX:154,379,558, C>T. VCF-style: chrX-154379558-C-T. GRCh37 (hg19) VCF-style: chrX-153607918-C-T.
Other names: short protein forms P25L.
Identifiers: ClinVar variation 1027338 (VCV001027338.7), dbSNP rs2067873634, ClinGen allele CA415257154.